The following is an entry in ClinVar:

ClinVar aggregate classification (germline): Uncertain significance (1 of 4 stars; one submission).

gnomAD v4.1: 11 of 1,614,038 alleles (0.00068%); highest among the groups gnomAD compares: Non-Finnish European, 0.00093%; no homozygotes.

Submission:

Ambry Genetics
Classification: Uncertain significance. Last evaluated: 2024-06-17. Review status: criteria provided, single submitter. Criteria: Ambry Variant Classification Scheme 2023. Collection method: clinical testing. Allele origin: germline.
Comment: The p.S38R variant (also known as c.112A>C), located in coding exon 2 of the NEBL gene, results from an A to C substitution at nucleotide position 112. The serine at codon 38 is replaced by arginine, an amino acid with dissimilar properties. This amino acid position is conserved. In addition, this alteration is predicted to be tolerated by in silico analysis. Based on the available evidence, the clinical significance of this variant remains unclear.

NM_006393.3(NEBL):c.112A>C (p.Ser38Arg)

Gene: NEBL (nebulette; minus strand). Cytogenetic location: 10p12.31.
Variant type: single nucleotide variant.
Coding change: c.112A>C on transcript NM_006393.3 (MANE Select); coding-DNA position 112, A replaced by C.
Protein change: p.Ser38Arg; replaces serine 38 with arginine.
Molecular consequence: missense variant. On other transcripts: intron variant (9).
Genome position (GRCh38, 1-based): chr10:20,896,999, T>G on the plus strand (A>C on the coding strand, the complement: NEBL is on the minus strand). VCF-style: chr10-20896999-T-G. GRCh37 (hg19) VCF-style: chr10-21185928-T-G.
Other names: c.249+64673A>C (NM_001377326.1, NM_001377327.1, NM_001377328.1); c.357+64673A>C (NM_213569.2, NM_001173484.2, NM_001377322.1); c.300+64673A>C (NM_001377324.1); c.291+64673A>C (NM_001377325.1); c.309+64673A>C (NM_001377323.1); short protein forms S38R.
Identifiers: ClinVar variation 3299107 (VCV003299107.1).